The following is an entry in ClinVar:

ClinVar aggregate classification (germline): Uncertain significance (1 of 4 stars; one submission).

Conditions:
Joubert syndrome. Also called: CEREBELLOPARENCHYMAL DISORDER IV; JOUBERT-BOLTSHAUSER SYNDROME; Familial aplasia of the vermis. Identifiers: Orphanet 475, MedGen C5979921, MONDO:0018772.
Meckel-Gruber syndrome. Also called: DYSENCEPHALIA SPLANCHNOCYSTICA; GRUBER SYNDROME; Dysencephalia splachnocystica. Identifiers: Orphanet 564, MedGen C0265215, MONDO:0018921.

Allele frequency attached by ClinVar (database versions not stated): gnomAD exomes below 0.00001.
gnomAD v4.1: 1 of 1,613,554 alleles (0.000062%); highest among the groups gnomAD compares: Non-Finnish European, 0.000085%; no homozygotes.

Submission:

Labcorp Genetics (formerly Invitae), Labcorp
Classification: Uncertain significance for Joubert syndrome; Meckel-Gruber syndrome. Last evaluated: 2022-03-12. Review status: criteria provided, single submitter. Criteria: Invitae Variant Classification Sherloc (09022015). Collection method: clinical testing. Allele origin: germline.
Comment: This sequence change replaces methionine, which is neutral and non-polar, with threonine, which is neutral and polar, at codon 554 of the TMEM67 protein (p.Met554Thr). In summary, the available evidence is currently insufficient to determine the role of this variant in disease. Therefore, it has been classified as a Variant of Uncertain Significance. Advanced modeling of protein sequence and biophysical properties (such as structural, functional, and spatial information, amino acid conservation, physicochemical variation, residue mobility, and thermodynamic stability) performed at Invitae indicates that this missense variant is not expected to disrupt TMEM67 protein function. This variant has not been reported in the literature in individuals affected with TMEM67-related conditions. This variant is not present in population databases (gnomAD no frequency).

NM_153704.6(TMEM67):c.1661T>C (p.Met554Thr)

Gene: TMEM67 (transmembrane protein 67; plus strand). Cytogenetic location: 8q22.1.
Variant type: single nucleotide variant.
Coding change: c.1661T>C on transcript NM_153704.6 (MANE Select); coding-DNA position 1661, T replaced by C.
Protein change: p.Met554Thr; replaces methionine 554 with threonine.
Molecular consequence: missense variant. On other transcripts: non-coding transcript variant (1).
Genome position (GRCh38, 1-based): chr8:93,793,283, T>C. VCF-style: chr8-93793283-T-C. GRCh37 (hg19) VCF-style: chr8-94805511-T-C.
Other names: c.1418T>C, p.Met473Thr (NM_001142301.1); short protein forms M473T, M554T.
Identifiers: ClinVar variation 2110276 (VCV002110276.4), dbSNP rs2536888673, ClinGen allele CA371691454.